The following is an entry in ClinVar:

ClinVar aggregate classification (germline): Uncertain significance. Review status: criteria provided, multiple submitters, no conflicts (2 of 4 stars). 3 submissions from 3 submitters: Uncertain significance (3). Last evaluated 2026-09-01.

Conditions:
Inborn genetic diseases. Identifiers: MedGen C0950123, MeSH D030342.
Junctional epidermolysis bullosa. Identifiers: Orphanet 305, MedGen C0079301, MONDO:0017612.

Allele frequency attached by ClinVar (database versions not stated): gnomAD exomes 0.00003 and 0.00005; gnomAD 0.00006; ExAC 0.00007; ESP Exome Variant Server 0.00008; TOPMed 0.00008.
gnomAD v4.1: 61 of 1,614,014 alleles (0.0038%); highest among the groups gnomAD compares: Non-Finnish European, 0.0047%; no homozygotes.

Submissions (3):

CeGaT Center for Human Genetics Tuebingen
Classification: Uncertain significance. Last evaluated: 2026-09-01. Review status: criteria provided, single submitter. Criteria: CeGaT Center For Human Genetics Tuebingen Variant Classification Criteria Version 2. Collection method: clinical testing. Allele origin: germline. Affected: yes. Observed: 1 variant allele.
Comment: LAMB3: PM2, BP4

Ambry Genetics
Classification: Uncertain significance for Inborn genetic diseases. Last evaluated: 2025-08-26. Review status: criteria provided, single submitter. Criteria: Ambry Variant Classification Scheme 2023. Collection method: clinical testing. Allele origin: germline.

Illumina Laboratory Services, Illumina
Classification: Uncertain significance for Junctional epidermolysis bullosa. Last evaluated: 2018-01-13. Review status: criteria provided, single submitter. Criteria: ICSL Variant Classification Criteria 13 December 2019. Collection method: clinical testing. Allele origin: germline.

NM_000228.3(LAMB3):c.2564C>G (p.Ala855Gly)

Gene: LAMB3 (laminin subunit beta 3; minus strand). Cytogenetic location: 1q32.2.
Variant type: single nucleotide variant.
Coding change: c.2564C>G on transcript NM_000228.3 (MANE Select); coding-DNA position 2564, C replaced by G.
Protein change: p.Ala855Gly; replaces alanine 855 with glycine.
Molecular consequence: missense variant.
Genome position (GRCh38, 1-based): chr1:209,622,673, G>C on the plus strand (C>G on the coding strand, the complement: LAMB3 is on the minus strand). VCF-style: chr1-209622673-G-C. GRCh37 (hg19) VCF-style: chr1-209796018-G-C.
Other names: c.2564C>G, p.Ala855Gly (NM_001017402.2, NM_001127641.1); short protein forms A855G.
Identifiers: ClinVar variation 295085 (VCV000295085.7), dbSNP rs151006337, ClinGen allele CA1375184.